The following is an entry in ClinVar:

ClinVar aggregate classification (germline): Conflicting classifications of pathogenicity. Review status: criteria provided, conflicting classifications (1 of 4 stars). 7 submissions from 7 submitters: Uncertain significance (4); Likely benign (2). 1 of the submissions does not count toward it. Last evaluated 2026-03-06.

Conditions:
Muscular dystrophy-dystroglycanopathy (congenital with brain and eye anomalies), type A1 (MDDGA1). Also called: Muscular dystrophy-dystroglycanopathy (congenital with brain and eye anomalies), type A, 1; WALKER-WARBURG SYNDROME OR MUSCLE-EYE-BRAIN DISEASE, POMT1-RELATED; Hydrocephalus, agyria and retinal dysplasia; Hard +/- E syndrome; Warburg syndrome; Chemke syndrome. Identifiers: Orphanet 588, Orphanet 899, MedGen C4284790, MONDO:0009364, OMIM 236670.
Dilated cardiomyopathy 1X (CMD1X). Also called: CARDIOMYOPATHY, DILATED, WITH MILD OR NO PROXIMAL MUSCLE WEAKNESS; FKTN-Related Dilated Cardiomyopathy. Identifiers: Orphanet 154, MedGen C1969024, MONDO:0012704, OMIM 611615.
Muscular dystrophy-dystroglycanopathy (congenital without impaired intellectual development), type B, 4. Also called: Muscular dystrophy-dystroglycanopathy (congenital without intellectual disability), type B4; MUSCULAR DYSTROPHY, CONGENITAL, FKTN-RELATED. Identifiers: MedGen C2751052, MONDO:0013156, OMIM 613152.
Autosomal recessive limb-girdle muscular dystrophy type 2M. Also called: MUSCULAR DYSTROPHY-DYSTROGLYCANOPATHY (LIMB-GIRDLE), TYPE C, 4; MUSCULAR DYSTROPHY, LIMB-GIRDLE, TYPE 2M. Identifiers: Orphanet 206554, MedGen C1969040, MONDO:0012699, OMIM 611588.
Muscular dystrophy-dystroglycanopathy (congenital with brain and eye anomalies), type A, 4 (MDDGA4). Also called: WALKER-WARBURG SYNDROME OR MUSCLE-EYE-BRAIN DISEASE, FKTN-RELATED; Congenital muscular dystrophy-dystroglycanopathy with brain and eye anomalies, type A4; Muscular dystrophy, congenital progressive, with mental retardation; Muscular dystrophy, congenital, with central nervous system involvement; Cerebromuscular dystrophy, Fukuyama type; Fukuyama congenital muscular dystrophy. Identifiers: Orphanet 272, Orphanet 588, Orphanet 899, MedGen C0410174, MONDO:0009678, OMIM 253800.
Cardiovascular phenotype. Identifiers: MedGen CN230736.
Walker-Warburg congenital muscular dystrophy. Also called: Muscular dystrophy-dystroglycanopathy, type A; Walker-Warburg syndrome. Identifiers: Orphanet 899, MedGen C0265221, MONDO:0000171.
FKTN-related disorder. Also called: FKTN-related disorders; FKTN-related condition.

Allele frequency attached by ClinVar (database versions not stated): gnomAD 0.00004 and 0.00015; TOPMed 0.00003; ESP Exome Variant Server 0.00008; 1000 Genomes Project 30x 0.00125; 1000 Genomes Project 0.00140.
gnomAD v4.1: 181 of 1,614,050 alleles (0.011%); highest among the groups gnomAD compares: South Asian, 0.17%; 3 homozygotes.

Submissions (7):

GeneDx
Classification: Uncertain significance. Last evaluated: 2026-03-06. Review status: criteria provided, single submitter. Criteria: GeneDx Variant Classification Process June 2021. Collection method: clinical testing. Allele origin: germline.
Comment: In silico analysis suggests that this missense variant does not alter protein structure/function; Has not been previously published as pathogenic or benign to our knowledge

Labcorp Genetics (formerly Invitae), Labcorp
Classification: Likely benign for Walker-Warburg congenital muscular dystrophy. Last evaluated: 2026-01-26. Review status: criteria provided, single submitter. Criteria: Invitae Variant Classification Sherloc (09022015). Collection method: clinical testing. Allele origin: germline.

Ambry Genetics
Classification: Likely benign for Cardiovascular phenotype. Last evaluated: 2023-01-23. Review status: criteria provided, single submitter. Criteria: Ambry Variant Classification Scheme 2023. Collection method: clinical testing. Allele origin: germline.

Mayo Clinic Laboratories, Mayo Clinic
Classification: Uncertain significance. Last evaluated: 2021-12-28. Review status: criteria provided, single submitter. Criteria: ACMG Guidelines, 2015. Collection method: clinical testing. Allele origin: germline. Observed: 2 variant alleles.
Comment: BP4

Fulgent Genetics
Classification: Uncertain significance for Muscular dystrophy-dystroglycanopathy (congenital with brain and eye anomalies), type A1; Muscular dystrophy-dystroglycanopathy (congenital with brain and eye anomalies), type A, 4; Autosomal recessive limb-girdle muscular dystrophy type 2M; Dilated cardiomyopathy 1X; Muscular dystrophy-dystroglycanopathy (congenital without impaired intellectual development), type B, 4. Last evaluated: 2018-10-31. Review status: criteria provided, single submitter. Criteria: ACMG Guidelines, 2015. Collection method: clinical testing. Allele origin: unknown.

Eurofins Ntd Llc (ga)
Classification: Uncertain significance. Last evaluated: 2015-09-22. Review status: criteria provided, single submitter. Criteria: EGL Classification Definitions 2015. Collection method: clinical testing. Allele origin: germline. Observed: 1 variant allele, 1 heterozygote.

PreventionGenetics, part of Exact Sciences
Classification: Likely benign for FKTN-related condition. Last evaluated: 2023-03-24. Review status: no assertion criteria provided. Collection method: clinical testing. Allele origin: germline. Not counted in ClinVar's aggregate classification.
Comment: This variant is classified as likely benign based on ACMG/AMP sequence variant interpretation guidelines (Richards et al. 2015 PMID: 25741868, with internal and published modifications).

NM_001079802.2(FKTN):c.1228C>A (p.His410Asn)

Gene: FKTN (fukutin; plus strand). Cytogenetic location: 9q31.2.
Variant type: single nucleotide variant.
Coding change: c.1228C>A on transcript NM_001079802.2 (MANE Select); coding-DNA position 1228, C replaced by A.
Protein change: p.His410Asn; replaces histidine 410 with asparagine.
Molecular consequence: missense variant. On other transcripts: 3 prime UTR variant (1), non-coding transcript variant (2).
Genome position (GRCh38, 1-based): chr9:105,635,106, C>A. VCF-style: chr9-105635106-C-A. GRCh37 (hg19) VCF-style: chr9-108397387-C-A.
Other names: p.His410Asn; c.1228C>A, p.His410Asn (NM_001198963.2, NM_001351496.2, NM_006731.2); c.1159C>A, p.His387Asn (NM_001351497.2); c.*20C>A (NM_001351498.2); c.832C>A, p.His278Asn (NM_001351499.2, NM_001351500.2, NM_001351501.2 and 1 more transcripts); short protein forms H410N, H278N, H387N.
Identifiers: ClinVar variation 283469 (VCV000283469.23), dbSNP rs146272618, ClinGen allele CA5170600.